The following is an entry in ClinVar:

NM_006648.4(WNK2):c.352C>T (p.Pro118Ser)

Gene: WNK2 (WNK lysine deficient protein kinase 2; plus strand). Cytogenetic location: 9q22.31.
Variant type: single nucleotide variant.
Coding change: c.352C>T on transcript NM_006648.4 (MANE Select); coding-DNA position 352, C replaced by T.
Protein change: p.Pro118Ser; replaces proline 118 with serine.
Molecular consequence: missense variant.
Genome position (GRCh38, 1-based): chr9:93,185,281, C>T. VCF-style: chr9-93185281-C-T. GRCh37 (hg19) VCF-style: chr9-95947563-C-T.
Other names: c.352C>T, p.Pro118Ser (NM_001282394.3); short protein forms P118S.
Identifiers: ClinVar variation 3981698 (VCV003981698.1).

ClinVar aggregate classification (germline): Uncertain significance (1 of 4 stars; one submission).

gnomAD v4.1: 1 of 1,365,028 alleles (0.000073%); highest among the groups gnomAD compares: Non-Finnish European, 0.000094%; no homozygotes.

Submission:

Ambry Genetics
Classification: Uncertain significance. Last evaluated: 2025-03-22. Review status: criteria provided, single submitter. Criteria: Ambry Variant Classification Scheme 2023. Collection method: clinical testing. Allele origin: germline.
Comment: The p.P118S variant (also known as c.352C>T), located in coding exon 1 of the WNK2 gene, results from a C to T substitution at nucleotide position 352. The proline at codon 118 is replaced by serine, an amino acid with similar properties. This amino acid position is conserved. In addition, this alteration is predicted to be tolerated by in silico analysis. Based on the available evidence, the clinical significance of this variant remains unclear.